The following is an entry in ClinVar:

NM_000168.6(GLI3):c.4507C>T (p.Gln1503Ter)

Gene: GLI3 (GLI family zinc finger 3; minus strand). Cytogenetic location: 7p14.1.
Variant type: single nucleotide variant.
Coding change: c.4507C>T on transcript NM_000168.6 (MANE Select); coding-DNA position 4507, C replaced by T.
Protein change: p.Gln1503Ter; replaces glutamine 1503 with a stop codon.
Molecular consequence: nonsense.
Genome position (GRCh38, 1-based): chr7:41,964,566, G>A on the plus strand (C>T on the coding strand, the complement: GLI3 is on the minus strand). VCF-style: chr7-41964566-G-A. GRCh37 (hg19) VCF-style: chr7-42004164-G-A.
Other names: short protein forms Q1503*.
Identifiers: ClinVar variation 1381542 (VCV001381542.8), dbSNP rs2128704828, ClinGen allele CA367314874.
Genomic context (GRCh38, chr7:41,964,566, plus strand): 5'-GGGCCCCCGACATCAGGCTGGAGTGGTCCCCATCGTCTATGATGGCATCGAAGTCAATCT[G>A]TACCCCTTCCAGGTCATGGCTGTCGAGGCTGTCCACTGTGCTTGTCACCTGATTAGCACC-3'

ClinVar aggregate classification (germline): Pathogenic (1 of 4 stars; one submission).

Conditions:
Greig cephalopolysyndactyly syndrome (GCPS). Also called: GLI3-Related Greig Cephalopolysyndactyly Syndrome; POLYSYNDACTYLY WITH PECULIAR SKULL SHAPE; Greig syndrome. Identifiers: Orphanet 380, MedGen C0265306, MONDO:0008287, OMIM 175700.
Pallister-Hall syndrome (PHS). Also called: HYPOTHALAMIC HAMARTOBLASTOMA, HYPOPITUITARISM, IMPERFORATE ANUS, AND POSTAXIAL POLYDACTYLY; GLI3-Related Pallister-Hall Syndrome. Identifiers: Orphanet 672, MedGen C0265220, MONDO:0007804, OMIM 146510.

Submission:

Labcorp Genetics (formerly Invitae), Labcorp
Classification: Pathogenic for Pallister-Hall syndrome; Greig cephalopolysyndactyly syndrome. Last evaluated: 2021-01-30. Review status: criteria provided, single submitter. Criteria: Invitae Variant Classification Sherloc (09022015). Collection method: clinical testing. Allele origin: germline.
Comment: This variant has been observed in individual(s) with polydactyly (PMID: 30235038). This variant disrupts the C-terminus of the GLI3 protein. Other variant(s) that disrupt this region (p.Ala1522Profs*2) have been determined to be pathogenic (PMID: 15739154). This suggests that variants that disrupt this region of the protein are likely to be causative of disease. For these reasons, this variant has been classified as Pathogenic. This variant is not present in population databases (ExAC no frequency). This sequence change creates a premature translational stop signal (p.Gln1503*) in the GLI3 gene. While this is not anticipated to result in nonsense mediated decay, it is expected to disrupt the last 78 amino acid(s) of the GLI3 protein.

Literature cited by the submitters: PubMed 30235038; PubMed 15739154.